The following is an entry in ClinVar:

ClinVar aggregate classification (germline): Uncertain significance (1 of 4 stars; one submission).

Submission:

Labcorp Genetics (formerly Invitae), Labcorp
Classification: Uncertain significance. Last evaluated: 2024-05-26. Review status: criteria provided, single submitter. Criteria: Invitae Variant Classification Sherloc (09022015). Collection method: clinical testing. Allele origin: germline.
Comment: This sequence change falls in intron 1 of the POLE gene. It does not directly change the encoded amino acid sequence of the POLE protein. This variant is not present in population databases (gnomAD no frequency). This variant has not been reported in the literature in individuals affected with POLE-related conditions. Algorithms developed to predict the effect of sequence changes on RNA splicing suggest that this variant may disrupt the consensus splice site. In summary, the available evidence is currently insufficient to determine the role of this variant in disease. Therefore, it has been classified as a Variant of Uncertain Significance.

NM_006231.4(POLE):c.63-12T>A

Gene: POLE (DNA polymerase epsilon, catalytic subunit; minus strand). Cytogenetic location: 12q24.33.
Variant type: single nucleotide variant.
Coding change: c.63-12T>A on transcript NM_006231.4 (MANE Select); 12 bases into the intron before coding-DNA position 63, T replaced by A.
Molecular consequence: intron variant.
Genome position (GRCh38, 1-based): chr12:132,681,291, A>T on the plus strand (T>A on the coding strand, the complement: POLE is on the minus strand). VCF-style: chr12-132681291-A-T. GRCh37 (hg19) VCF-style: chr12-133257877-A-T.
Identifiers: ClinVar variation 3654593 (VCV003654593.2).
Genomic context (GRCh38, chr12:132,681,291, plus strand): 5'-CCGTTCCAGGCGCTTGAGTGCCGAAACTGAGGAAGTGGCGCCATCATCCCTGAGTGAAAG[A>T]AGGGAACCCCGTGCTTAATTTGTAATGCCACCTGCTGCTGCTTCTTTTTTTCTTTTTTTT-3'